The following is an entry in ClinVar:

ClinVar aggregate classification (germline): Uncertain significance. Review status: criteria provided, multiple submitters, no conflicts (2 of 4 stars). 2 submissions from 2 submitters: Uncertain significance (2). Last evaluated 2025-01-21.

Allele frequency attached by ClinVar (database versions not stated): gnomAD exomes below 0.00001; ExAC 0.00001; gnomAD 0.00002; TOPMed 0.00003.
gnomAD v4.1: 4 of 1,613,966 alleles (0.00025%); highest among the groups gnomAD compares: African/African-American, 0.0053%; no homozygotes.

Submissions (2):

Ambry Genetics
Classification: Uncertain significance. Last evaluated: 2025-01-21. Review status: criteria provided, single submitter. Criteria: Ambry Variant Classification Scheme 2023. Collection method: clinical testing. Allele origin: germline.

Labcorp Genetics (formerly Invitae), Labcorp
Classification: Uncertain significance. Last evaluated: 2023-12-11. Review status: criteria provided, single submitter. Criteria: Invitae Variant Classification Sherloc (09022015). Collection method: clinical testing. Allele origin: germline.
Comment: This sequence change replaces alanine, which is neutral and non-polar, with glycine, which is neutral and non-polar, at codon 664 of the ADGRE2 protein (p.Ala664Gly). This variant is present in population databases (rs771057297, gnomAD 0.008%). This variant has not been reported in the literature in individuals affected with ADGRE2-related conditions. ClinVar contains an entry for this variant (Variation ID: 1952703). Algorithms developed to predict the effect of missense changes on protein structure and function output the following: SIFT: "Not Available"; PolyPhen-2: "Benign"; Align-GVGD: "Not Available". The glycine amino acid residue is found in multiple mammalian species, which suggests that this missense change does not adversely affect protein function. In summary, the available evidence is currently insufficient to determine the role of this variant in disease. Therefore, it has been classified as a Variant of Uncertain Significance.

NM_013447.4(ADGRE2):c.1991C>G (p.Ala664Gly)

Gene: ADGRE2 (adhesion G protein-coupled receptor E2; minus strand). Cytogenetic location: 19p13.12.
Variant type: single nucleotide variant.
Coding change: c.1991C>G on transcript NM_013447.4 (MANE Select); coding-DNA position 1991, C replaced by G.
Protein change: p.Ala664Gly; replaces alanine 664 with glycine.
Molecular consequence: missense variant.
Genome position (GRCh38, 1-based): chr19:14,751,469, G>C on the plus strand (C>G on the coding strand, the complement: ADGRE2 is on the minus strand). VCF-style: chr19-14751469-G-C. GRCh37 (hg19) VCF-style: chr19-14862281-G-C.
Other names: c.1991C>G (NM_013447.2); c.1817C>G, p.Ala606Gly (NM_001271052.1); c.1844C>G, p.Ala615Gly (NM_152916.2); c.1712C>G, p.Ala571Gly (NM_152917.2); short protein forms A571G, A664G, A606G, A615G.
Identifiers: ClinVar variation 1952703 (VCV001952703.6), dbSNP rs771057297, ClinGen allele CA9257550.